The following is an entry in ClinVar:

ClinVar aggregate classification (germline): Likely pathogenic (1 of 4 stars; one submission).

Submission:

Labcorp Genetics (formerly Invitae), Labcorp
Classification: Likely pathogenic. Last evaluated: 2023-06-23. Review status: criteria provided, single submitter. Criteria: Invitae Variant Classification Sherloc (09022015). Collection method: clinical testing. Allele origin: germline.
Comment: In summary, the currently available evidence indicates that the variant is pathogenic, but additional data are needed to prove that conclusively. Therefore, this variant has been classified as Likely Pathogenic. Algorithms developed to predict the effect of sequence changes on RNA splicing suggest that this variant may disrupt the consensus splice site. This variant has not been reported in the literature in individuals affected with OCA2-related conditions. This variant is not present in population databases (gnomAD no frequency). This sequence change affects an acceptor splice site in intron 10 of the OCA2 gene. It is expected to disrupt RNA splicing. Variants that disrupt the donor or acceptor splice site typically lead to a loss of protein function (PMID: 16199547), and loss-of-function variants in OCA2 are known to be pathogenic (PMID: 19865097, 21541274).

Literature cited by the submitters: PubMed 16199547; PubMed 19865097; PubMed 21541274.

NM_000275.3(OCA2):c.1117-1G>C

Gene: OCA2 (OCA2 melanosomal transmembrane protein; minus strand). Cytogenetic location: 15q13.1.
Variant type: single nucleotide variant.
Coding change: c.1117-1G>C on transcript NM_000275.3 (MANE Select); the canonical splice acceptor site of the intron before coding-DNA position 1117, G replaced by C.
Molecular consequence: splice acceptor variant.
Genome position (GRCh38, 1-based): chr15:27,989,667, C>G on the plus strand (G>C on the coding strand, the complement: OCA2 is on the minus strand). VCF-style: chr15-27989667-C-G. GRCh37 (hg19) VCF-style: chr15-28234813-C-G.
Other names: c.1045-1G>C (NM_001300984.2).
Identifiers: ClinVar variation 2725200 (VCV002725200.3), dbSNP rs2548359850, ClinGen allele CA391362143.